The following is an entry in ClinVar:

ClinVar aggregate classification (germline): Likely pathogenic (1 of 4 stars; one submission).

Conditions:
Acyl-CoA oxidase deficiency. Also called: Peroxisomal acyl-CoA oxidase deficiency; STRAIGHT-CHAIN ACYL-CoA OXIDASE DEFICIENCY; Pseudoneonatal adrenoleukodystrophy. Identifiers: Orphanet 2971, MedGen C1849678, MONDO:0009919, OMIM 264470. Disease mechanism: loss of function.

Submission:

Natera, Inc.
Classification: Likely pathogenic for Peroxisomal acyl-CoA oxidase deficiency. Last evaluated: 2024-11-23. Review status: criteria provided, single submitter. Criteria: Natera Variant Classification Schema (03/2026). Collection method: clinical testing. Allele origin: germline.
Comment: The c.1626del variant in ACOX1 is a frameshift variant predicted to shift the reading frame beginning at codon 542 and leads to a stop codon 14 codons downstream. This variant is expected to result in nonsense mediated decay, truncation, or a dysfunctional protein product. This variant is rare in the general population with a frequency below the threshold expected for the associated phenotype(s). Given the available evidence, this variant is classified as Likely Pathogenic.

NM_004035.7(ACOX1):c.1626del (p.Lys542fs)

Gene: ACOX1 (acyl-CoA oxidase 1; minus strand). Cytogenetic location: 17q25.1.
Variant type: Deletion.
Coding change: c.1626del on transcript NM_004035.7 (MANE Select); coding-DNA position 1626, one base deleted (A; older notation c.1626delA).
Protein change: p.Lys542fs; shifts the reading frame from lysine 542.
Molecular consequence: frameshift variant.
Genome position (GRCh38, 1-based): chr17:75,949,319, T deleted on the plus strand (A on the coding strand, the reverse complement: ACOX1 is on the minus strand); the first of 5 consecutive T bases (chr17:75,949,319-75,949,323); deleting any one gives the same sequence. VCF-style (leftmost placement, unchanged base first): chr17-75949318-GT-G. GRCh37 (hg19) VCF-style: chr17-73945399-GT-G.
Other names: c.1512del, p.Lys504fs (NM_001185039.2); c.1626del, p.Lys542fs (NM_007292.6); short protein forms K504fs, K542fs.
Identifiers: ClinVar variation 4815327 (VCV004815327.1).
Genomic context (GRCh38, chr17:75,949,318, plus strand): 5'-AATACAGCAGACATAAACTCCTTAAGACAGCTTGAATGGCTTTATCTTGAATTTTGAGGA[GT>G]TTTTCTGAAAAGAGCTTAACTACCACATAGTGGCAATGTGCCTAAGATTAAAAAGAAAAC-3'